The following is an entry in ClinVar:

ClinVar aggregate classification (germline): Likely benign. Review status: criteria provided, multiple submitters, no conflicts (2 of 4 stars). 3 submissions from 3 submitters: Likely benign (3). Last evaluated 2024-11-25.

Conditions:
Benign neonatal seizures. Also called: Benign familial neonatal seizures; Convulsions benign familial neonatal dominant form; Autosomal dominant form of benign neonatal seizures; Benign neonatal familial convulsions; Benign familial neonatal epilepsy. Identifiers: Orphanet 1949, MedGen C0220669, MONDO:0016027.

Allele frequency attached by ClinVar (database versions not stated): gnomAD exomes below 0.00001 and 0.00001; gnomAD 0.00001; TOPMed 0.00001; ExAC 0.00002; ESP Exome Variant Server 0.00015.
gnomAD v4.1: 15 of 1,614,016 alleles (0.00093%); highest among the groups gnomAD compares: Non-Finnish European, 0.0013%; no homozygotes.

Submissions (3):

Labcorp Genetics (formerly Invitae), Labcorp
Classification: Likely benign for Benign neonatal seizures. Last evaluated: 2024-11-25. Review status: criteria provided, single submitter. Criteria: Invitae Variant Classification Sherloc (09022015). Collection method: clinical testing. Allele origin: germline.

CeGaT Center for Human Genetics Tuebingen
Classification: Likely benign. Last evaluated: 2023-02-01. Review status: criteria provided, single submitter. Criteria: CeGaT Center For Human Genetics Tuebingen Variant Classification Criteria Version 2. Collection method: clinical testing. Allele origin: germline. Affected: yes. Observed: 1 variant allele.
Comment: KCNQ3: BP4, BP7

GeneDx
Classification: Likely benign. Last evaluated: 2017-04-03. Review status: criteria provided, single submitter. Criteria: GeneDx Variant Classification (06012015). Collection method: clinical testing. Allele origin: germline. Affected: yes.
Comment: This variant is considered likely benign or benign based on one or more of the following criteria: it is a conservative change, it occurs at a poorly conserved position in the protein, it is predicted to be benign by multiple in silico algorithms, and/or has population frequency not consistent with disease.

NM_004519.4(KCNQ3):c.897G>A (p.Glu299=)

Gene: KCNQ3 (potassium voltage-gated channel subfamily Q member 3; minus strand). Cytogenetic location: 8q24.22.
Variant type: single nucleotide variant.
Coding change: c.897G>A on transcript NM_004519.4 (MANE Select); coding-DNA position 897, G replaced by A.
Protein change: p.Glu299=; no amino-acid change (glutamic acid 299 retained).
Molecular consequence: synonymous variant.
Genome position (GRCh38, 1-based): chr8:132,175,489, C>T on the plus strand (G>A on the coding strand, the complement: KCNQ3 is on the minus strand). VCF-style: chr8-132175489-C-T. GRCh37 (hg19) VCF-style: chr8-133187736-C-T.
Other names: c.537G>A, p.Glu179= (NM_001204824.2).
Identifiers: ClinVar variation 508697 (VCV000508697.32), dbSNP rs367611806, ClinGen allele CA4880818.